The following is an entry in ClinVar:

NM_021625.5(TRPV4):c.1349T>C (p.Leu450Pro)

Gene: TRPV4 (transient receptor potential cation channel subfamily V member 4; minus strand). Cytogenetic location: 12q24.11.
Variant type: single nucleotide variant.
Coding change: c.1349T>C on transcript NM_021625.5 (MANE Select); coding-DNA position 1349, T replaced by C.
Protein change: p.Leu450Pro; replaces leucine 450 with proline.
Molecular consequence: missense variant.
Genome position (GRCh38, 1-based): chr12:109,794,471, A>G on the plus strand (T>C on the coding strand, the complement: TRPV4 is on the minus strand). VCF-style: chr12-109794471-A-G. GRCh37 (hg19) VCF-style: chr12-110232276-A-G.
Other names: c.1208T>C, p.Leu403Pro (NM_001177428.2); c.1247T>C, p.Leu416Pro (NM_001177431.2); c.1028T>C, p.Leu343Pro (NM_001177433.2); c.1169T>C, p.Leu390Pro (NM_147204.3); short protein forms L343P, L416P, L390P, L450P, L403P.
Identifiers: ClinVar variation 2976316 (VCV002976316.4), dbSNP rs2548732542, ClinGen allele CA386653241.

ClinVar aggregate classification (germline): Uncertain significance. Review status: criteria provided, multiple submitters, no conflicts (2 of 4 stars). 2 submissions from 2 submitters: Uncertain significance (2). Last evaluated 2025-07-14.

Conditions:
Charcot-Marie-Tooth disease axonal type 2C (HMSN2C). Also called: CHARCOT-MARIE-TOOTH DISEASE, AXONAL, AUTOSOMAL DOMINANT, TYPE 2C; Charcot-Marie-Tooth Neuropathy Type 2C; Charcot-Marie-Tooth Disease Type 2, TRPV4-Related (CMT2C). Identifiers: Orphanet 99937, MedGen C1853710, MONDO:0011633, OMIM 606071.

gnomAD v4.1: 5 of 1,613,972 alleles (0.00031%); highest among the groups gnomAD compares: Non-Finnish European, 0.00042%; no homozygotes.

Submissions (2):

Labcorp Genetics (formerly Invitae), Labcorp
Classification: Uncertain significance for Charcot-Marie-Tooth disease axonal type 2C. Last evaluated: 2025-07-14. Review status: criteria provided, single submitter. Criteria: Invitae Variant Classification Sherloc (09022015). Collection method: clinical testing. Allele origin: germline.
Comment: This sequence change replaces leucine, which is neutral and non-polar, with proline, which is neutral and non-polar, at codon 450 of the TRPV4 protein (p.Leu450Pro). This variant is not present in population databases (gnomAD no frequency). This variant has not been reported in the literature in individuals affected with TRPV4-related conditions. ClinVar contains an entry for this variant (Variation ID: 2976316). Invitae Evidence Modeling of protein sequence and biophysical properties (such as structural, functional, and spatial information, amino acid conservation, physicochemical variation, residue mobility, and thermodynamic stability) has been performed for this missense variant. However, the output from this modeling did not meet the statistical confidence thresholds required to predict the impact of this variant on TRPV4 protein function. In summary, the available evidence is currently insufficient to determine the role of this variant in disease. Therefore, it has been classified as a Variant of Uncertain Significance.

GeneDx
Classification: Uncertain significance. Last evaluated: 2024-10-30. Review status: criteria provided, single submitter. Criteria: GeneDx Variant Classification Process June 2021. Collection method: clinical testing. Allele origin: germline. Affected: yes.
Comment: Not observed at significant frequency in large population cohorts (gnomAD); In silico analysis supports that this missense variant has a deleterious effect on protein structure/function; Has not been previously published as pathogenic or benign to our knowledge